The following is an entry in ClinVar:

ClinVar aggregate classification (germline): Uncertain significance (1 of 4 stars; one submission).

Submission:

Labcorp Genetics (formerly Invitae), Labcorp
Classification: Uncertain significance. Last evaluated: 2023-01-10. Review status: criteria provided, single submitter. Criteria: Invitae Variant Classification Sherloc (09022015). Collection method: clinical testing. Allele origin: germline.
Comment: In summary, the available evidence is currently insufficient to determine the role of this variant in disease. Therefore, it has been classified as a Variant of Uncertain Significance. Algorithms developed to predict the effect of missense changes on protein structure and function are either unavailable or do not agree on the potential impact of this missense change (SIFT: "Deleterious"; PolyPhen-2: "Possibly Damaging"; Align-GVGD: "Class C0"). This variant has not been reported in the literature in individuals affected with ALPK1-related conditions. This variant is not present in population databases (gnomAD no frequency). This sequence change replaces lysine, which is basic and polar, with asparagine, which is neutral and polar, at codon 33 of the ALPK1 protein (p.Lys33Asn).

NM_025144.4(ALPK1):c.99G>T (p.Lys33Asn)

Gene: ALPK1 (alpha kinase 1; plus strand). Cytogenetic location: 4q25.
Variant type: single nucleotide variant.
Coding change: c.99G>T on transcript NM_025144.4 (MANE Select); coding-DNA position 99, G replaced by T.
Protein change: p.Lys33Asn; replaces lysine 33 with asparagine.
Molecular consequence: missense variant.
Genome position (GRCh38, 1-based): chr4:112,377,876, G>T. VCF-style: chr4-112377876-G-T. GRCh37 (hg19) VCF-style: chr4-113299032-G-T.
Other names: c.99G>T, p.Lys33Asn (NM_001102406.2); c.20G>T, p.Arg7Ile (NM_001253884.2); short protein forms R7I, K33N.
Identifiers: ClinVar variation 2827469 (VCV002827469.3), dbSNP rs2476390469, ClinGen allele CA357987620.